The following is an entry in ClinVar:

NM_001278293.3(ARL6):c.319GAA[1] (p.Glu108del)

Gene: ARL6 (ARF like GTPase 6; plus strand). Cytogenetic location: 3q11.2.
Variant type: Microsatellite.
Coding change: c.319GAA[1] on transcript NM_001278293.3 (MANE Select); one copy of the 3-base unit GAA starting at c.319; the reference has two copies in a row; one copy, 3 bases deleted.
Protein change: p.Glu108del; deletes glutamic acid 108.
Molecular consequence: inframe deletion. On other transcripts: non-coding transcript variant (7).
Genome position (GRCh38, 1-based): chr3:97,785,022-97,785,024, GAA deleted; deleting any 3 consecutive bases within chr3:97,785,017-97,785,024 gives the same sequence; the position shown is the placement nearest the transcript's 3' end. VCF-style (leftmost placement, unchanged base first): chr3-97785016-AAAG-A. GRCh37 (hg19) VCF-style: chr3-97503860-AAAG-A.
Other names: c.319GAA[1], p.Glu108del (NM_001323513.2, NM_001323514.2, NM_032146.5 and 1 more transcripts); short protein forms E108del.
Identifiers: ClinVar variation 1945786 (VCV001945786.5), dbSNP rs2529940929, ClinGen allele CA2580616505.

ClinVar aggregate classification (germline): Uncertain significance (1 of 4 stars; one submission).

Conditions:
Retinitis pigmentosa 55 (RP55). Identifiers: Orphanet 791, MedGen C3150808, MONDO:0013312, OMIM 613575.
Bardet-Biedl syndrome 3 (BBS3). Identifiers: Orphanet 110, MedGen C1859564, MONDO:0010832, OMIM 600151.

Submission:

Labcorp Genetics (formerly Invitae), Labcorp
Classification: Uncertain significance for Retinitis pigmentosa 55; Bardet-Biedl syndrome 3. Last evaluated: 2022-04-16. Review status: criteria provided, single submitter. Criteria: Invitae Variant Classification Sherloc (09022015). Collection method: clinical testing. Allele origin: germline.
Comment: In summary, the available evidence is currently insufficient to determine the role of this variant in disease. Therefore, it has been classified as a Variant of Uncertain Significance. Experimental studies and prediction algorithms are not available or were not evaluated, and the functional significance of this variant is currently unknown. This variant has not been reported in the literature in individuals affected with ARL6-related conditions. This variant is not present in population databases (gnomAD no frequency). This variant, c.322_324del, results in the deletion of 1 amino acid(s) of the ARL6 protein (p.Glu108del), but otherwise preserves the integrity of the reading frame.